The following is an entry in ClinVar:

ClinVar aggregate classification (germline): Uncertain significance. Review status: criteria provided, multiple submitters, no conflicts (2 of 4 stars). 2 submissions from 2 submitters: Uncertain significance (2). Last evaluated 2025-11-12.

Conditions:
Inborn genetic diseases. Identifiers: MedGen C0950123, MeSH D030342.

Allele frequency attached by ClinVar (database versions not stated): ESP Exome Variant Server 0.00008; gnomAD 0.00008; TOPMed 0.00009; gnomAD exomes 0.00014 and 0.00006; ExAC 0.00004.
gnomAD v4.1: 206 of 1,612,584 alleles (0.013%); highest among the groups gnomAD compares: Non-Finnish European, 0.014%; no homozygotes.

Submissions (2):

Ambry Genetics
Classification: Uncertain significance for Inborn genetic diseases. Last evaluated: 2025-11-12. Review status: criteria provided, single submitter. Criteria: Ambry Variant Classification Scheme 2023. Collection method: clinical testing. Allele origin: germline.

Labcorp Genetics (formerly Invitae), Labcorp
Classification: Uncertain significance. Last evaluated: 2024-11-05. Review status: criteria provided, single submitter. Criteria: Invitae Variant Classification Sherloc (09022015). Collection method: clinical testing. Allele origin: germline.
Comment: This sequence change replaces arginine, which is basic and polar, with glutamine, which is neutral and polar, at codon 792 of the C7 protein (p.Arg792Gln). This variant is present in population databases (rs372359270, gnomAD 0.03%). This variant has not been reported in the literature in individuals affected with C7-related conditions. ClinVar contains an entry for this variant (Variation ID: 1491798). Invitae Evidence Modeling of protein sequence and biophysical properties (such as structural, functional, and spatial information, amino acid conservation, physicochemical variation, residue mobility, and thermodynamic stability) indicates that this missense variant is not expected to disrupt C7 protein function with a negative predictive value of 80%. In summary, the available evidence is currently insufficient to determine the role of this variant in disease. Therefore, it has been classified as a Variant of Uncertain Significance.

NM_000587.4(C7):c.2375G>A (p.Arg792Gln)

Gene: C7 (complement C7; plus strand). Cytogenetic location: 5p13.1.
Variant type: single nucleotide variant.
Coding change: c.2375G>A on transcript NM_000587.4 (MANE Select); coding-DNA position 2375, G replaced by A.
Protein change: p.Arg792Gln; replaces arginine 792 with glutamine.
Molecular consequence: missense variant.
Genome position (GRCh38, 1-based): chr5:40,981,416, G>A. VCF-style: chr5-40981416-G-A. GRCh37 (hg19) VCF-style: chr5-40981518-G-A.
Other names: c.2375G>A (NM_000587.2); short protein forms R792Q.
Identifiers: ClinVar variation 1491798 (VCV001491798.7), dbSNP rs372359270, ClinGen allele CA3250295.
Genomic context (GRCh38, chr5:40,981,416, plus strand): 5'-AATGTACCATTAAGCCTCTTTCACTTACTTTTCCAGCTGAGAGCAGCAAATGTGTCTGCC[G>A]AGAAGCATCGGAGTGCGAGGAAGAAGGGTTTAGCATTTGTGTGGAAGTGAACGGCAAGGA-3'
Protein context (NP_000578.2, residues 782-802): CDAESSKCVC[Arg792Gln]EASECEEEGF